The following is an entry in ClinVar:

ClinVar aggregate classification (germline): Uncertain significance. Review status: criteria provided, multiple submitters, no conflicts (2 of 4 stars). 3 submissions from 3 submitters: Uncertain significance (3). Last evaluated 2026-08-06.

Conditions:
3-methylglutaconic aciduria, type VIIB (MGCA7B). Also called: 3-methylglutaconic aciduria with cataracts, neurologic involvement and neutropenia; 3-methylglutaconic aciduria, type VII, with cataracts, neurologic involvement and neutropenia; CLPB Deficiency. Identifiers: Orphanet 445038, MedGen C5676893, MONDO:0014561, OMIM 616271.
3-methylglutaconic aciduria, type VIIA. Also called: 3-METHYLGLUTACONIC ACIDURIA WITH NEUROLOGIC INVOLVEMENT AND NEUTROPENIA, AUTOSOMAL DOMINANT. Identifiers: MedGen C5676967, MONDO:0859237, OMIM 619835.

Allele frequency attached by ClinVar (database versions not stated): gnomAD 0.00001.
gnomAD v4.1: 1 of 1,613,942 alleles (0.000062%); highest among the groups gnomAD compares: Admixed American, 0.0017%; no homozygotes.

Submissions (3):

OLLIN Analises Genomicas, OLLIN
Classification: Uncertain significance for 3-methylglutaconic aciduria, type VIIA. Last evaluated: 2026-08-06. Review status: criteria provided, single submitter. Criteria: ACMG Guidelines 2015 PMID 25741868. Collection method: clinical testing. Allele origin: germline. Inheritance: Autosomal dominant inheritance.
Comment: This missense variant, located in exon 13 (of 16), has been reported in ClinVar (accession VCV000850342.13) and in gnomAD with an allele frequency of 0.000062%. However, to our knowledge, it has not been reported in the scientific literature. In silico analysis is inconclusive regarding the impact of this variant. According to the currently available evidence, this variant has been classified as uncertain significance (PM2_P).

Labcorp Genetics (formerly Invitae), Labcorp
Classification: Uncertain significance for 3-methylglutaconic aciduria, type VIIB. Last evaluated: 2025-08-04. Review status: criteria provided, single submitter. Criteria: Invitae Variant Classification Sherloc (09022015). Collection method: clinical testing. Allele origin: germline.
Comment: This sequence change replaces isoleucine, which is neutral and non-polar, with leucine, which is neutral and non-polar, at codon 548 of the CLPB protein (p.Ile548Leu). This variant is not present in population databases (gnomAD no frequency). This variant has not been reported in the literature in individuals affected with CLPB-related conditions. ClinVar contains an entry for this variant (Variation ID: 2164415). An algorithm developed to predict the effect of missense changes on protein structure and function (PolyPhen-2) suggests that this variant is likely to be disruptive. In summary, the available evidence is currently insufficient to determine the role of this variant in disease. Therefore, it has been classified as a Variant of Uncertain Significance.

Dasa
Classification: Uncertain significance. Last evaluated: 2025-04-24. Review status: criteria provided, single submitter. Criteria: DASA Assertion Criteria. Collection method: clinical testing. Allele origin: germline.
Comment: NM_001258392.3(CLPB):c.1552A>C (p.Ile518Leu) is a missense variant that results in the substitution of isoleucine with leucine. This variant is rare in population databases. Computational prediction algorithms are consistent with a benign effect. The currently available literature and clinical evidence are not sufficient to establish a definitive association between this variant and the reported condition. Therefore, this variant is classified as a variant of uncertain significance.

NM_001258392.3(CLPB):c.1552A>C (p.Ile518Leu)

Gene: CLPB (ClpB family mitochondrial disaggregase; minus strand). Cytogenetic location: 11q13.4.
Variant type: single nucleotide variant.
Coding change: c.1552A>C on transcript NM_001258392.3 (MANE Select); coding-DNA position 1552, A replaced by C.
Protein change: p.Ile518Leu; replaces isoleucine 518 with leucine.
Molecular consequence: missense variant.
Genome position (GRCh38, 1-based): chr11:72,294,628, T>G on the plus strand (A>C on the coding strand, the complement: CLPB is on the minus strand). VCF-style: chr11-72294628-T-G. GRCh37 (hg19) VCF-style: chr11-72005672-T-G.
Other names: c.1465A>C, p.Ile489Leu (NM_001258393.3); c.1507A>C, p.Ile503Leu (NM_001258394.3); c.1642A>C, p.Ile548Leu (NM_030813.6); short protein forms I518L, I503L, I548L, I489L.
Identifiers: ClinVar variation 2164415 (VCV002164415.7), dbSNP rs1949516441, ClinGen allele CA381726899.